The following is an entry in ClinVar:

ClinVar aggregate classification (germline): Uncertain significance. Review status: criteria provided, multiple submitters, no conflicts (2 of 4 stars). 2 submissions from 2 submitters: Uncertain significance (2). Last evaluated 2022-09-13.

Conditions:
Retinitis pigmentosa 12 (RP12). Also called: RP WITH OR WITHOUT PPRPE; RP WITH OR WITHOUT PRESERVED PARAARTERIOLE RETINAL PIGMENT EPITHELIUM; RETINITIS PIGMENTOSA WITH OR WITHOUT PARAARTERIOLAR PRESERVATION OF RETINAL PIGMENT EPITHELIUM. Identifiers: Orphanet 791, MedGen C1838647, MONDO:0010818, OMIM 600105.
Leber congenital amaurosis 8 (LCA8). Identifiers: Orphanet 65, MedGen C3151202, MONDO:0013453, OMIM 613835.

Allele frequency attached by ClinVar (database versions not stated): gnomAD exomes below 0.00001; ExAC 0.00001.
gnomAD v4.1: 5 of 1,614,022 alleles (0.00031%); highest among the groups gnomAD compares: South Asian, 0.0033%; no homozygotes.

Submissions (2):

Labcorp Genetics (formerly Invitae), Labcorp
Classification: Uncertain significance for Leber congenital amaurosis 8; Retinitis pigmentosa 12. Last evaluated: 2022-09-13. Review status: criteria provided, single submitter. Criteria: Invitae Variant Classification Sherloc (09022015). Collection method: clinical testing. Allele origin: germline.
Comment: This sequence change replaces asparagine, which is neutral and polar, with serine, which is neutral and polar, at codon 1308 of the CRB1 protein (p.Asn1308Ser). This variant is present in population databases (rs747631811, gnomAD 0.003%). This variant has not been reported in the literature in individuals affected with CRB1-related conditions. ClinVar contains an entry for this variant (Variation ID: 1449974). Advanced modeling of protein sequence and biophysical properties (such as structural, functional, and spatial information, amino acid conservation, physicochemical variation, residue mobility, and thermodynamic stability) performed at Invitae indicates that this missense variant is expected to disrupt CRB1 protein function. Algorithms developed to predict the effect of sequence changes on RNA splicing suggest that this variant may create or strengthen a splice site. In summary, the available evidence is currently insufficient to determine the role of this variant in disease. Therefore, it has been classified as a Variant of Uncertain Significance.

Blueprint Genetics
Classification: Uncertain significance. Last evaluated: 2017-08-31. Review status: criteria provided, single submitter. Criteria: ACMG Guidelines, 2015. Collection method: clinical testing. Allele origin: germline.

NM_201253.3(CRB1):c.3923A>G (p.Asn1308Ser)

Gene: CRB1 (crumbs cell polarity complex component 1; plus strand). Cytogenetic location: 1q31.3.
Variant type: single nucleotide variant.
Coding change: c.3923A>G on transcript NM_201253.3 (MANE Select); coding-DNA position 3923, A replaced by G.
Protein change: p.Asn1308Ser; replaces asparagine 1308 with serine.
Molecular consequence: missense variant. On other transcripts: non-coding transcript variant (2).
Genome position (GRCh38, 1-based): chr1:197,442,210, A>G. VCF-style: chr1-197442210-A-G. GRCh37 (hg19) VCF-style: chr1-197411340-A-G.
Other names: c.3587A>G, p.Asn1196Ser (NM_001193640.2); c.3851A>G, p.Asn1284Ser (NM_001257965.2); c.2315A>G, p.Asn772Ser (NM_001257966.2); short protein forms N1284S, N772S, N1196S, N1308S.
Identifiers: ClinVar variation 1449974 (VCV001449974.5), dbSNP rs747631811, ClinGen allele CA1312444.